The following is an entry in ClinVar:

NM_001035.3(RYR2):c.12968A>G (p.Lys4323Arg)

Genes: RYR2 (ryanodine receptor 2; plus strand), LOC126806068 (BRD4-independent group 4 enhancer GRCh37_chr1:237947411-237948610; plus strand). Cytogenetic location: 1q43.
Variant type: single nucleotide variant.
Coding change: c.12968A>G on transcript NM_001035.3 (MANE Select); coding-DNA position 12968, A replaced by G.
Protein change: p.Lys4323Arg; replaces lysine 4323 with arginine.
Molecular consequence: missense variant.
Genome position (GRCh38, 1-based): chr1:237,784,680, A>G. VCF-style: chr1-237784680-A-G. GRCh37 (hg19) VCF-style: chr1-237947980-A-G.
Other names: short protein forms K4323R.
Identifiers: ClinVar variation 3070993 (VCV003070993.1), dbSNP rs2527796285, ClinGen allele CA345414871.
Genomic context (GRCh38, chr1:237,784,680, plus strand): 5'-GAGGCTTTTTCCGCATCATTTGCAGCCTGCTGCTTGGGGGAAGCCTCGTCGAAGGTGCTA[A>G]AAAGATCAAAGTTGCAGAACTGTTAGCCAACATGCCAGACCCCACTCAGGATGAGGTTAG-3'
Protein context (NP_001026.2, residues 4313-4333): LLGGSLVEGA[Lys4323Arg]KIKVAELLAN

ClinVar aggregate classification (germline): Uncertain significance (1 of 4 stars; one submission).

Conditions:
Catecholaminergic polymorphic ventricular tachycardia (CVPT). Also called: Catecholamine-induced polymorphic ventricular tachycardia. Identifiers: Orphanet 3286, MedGen C5574922, MONDO:0017990.

Submission:

All of Us Research Program, National Institutes of Health
Classification: Uncertain significance for Catecholaminergic polymorphic ventricular tachycardia. Last evaluated: 2023-05-16. Review status: criteria provided, single submitter. Criteria: ACMG Guidelines, 2015. Collection method: clinical testing. Allele origin: germline. Inheritance: Autosomal dominant inheritance. Observed: 1 variant allele, 1 heterozygote.
Comment: This missense variant replaces lysine with arginine at codon 4323 of the RYR2 protein. Computational prediction is inconclusive regarding the impact of this variant on protein structure and function (internally defined REVEL score threshold 0.5 < inconclusive < 0.7, PMID: 27666373). To our knowledge, functional studies have not been reported for this variant. This variant has not been reported in individuals affected with RYR2-related disorders in the literature. This variant has not been identified in the general population by the Genome Aggregation Database (gnomAD). The available evidence is insufficient to determine the role of this variant in disease conclusively. Therefore, this variant is classified as a Variant of Uncertain Significance.

This study involves interpretation of variants in research participants for the purpose of population health screening. Participant phenotype was not available at the time of variant classification. Additional details can be found in publication PMID: 35346344, PMCID: PMC8962531